The following is an entry in ClinVar:

ClinVar aggregate classification (germline): Uncertain significance (1 of 4 stars; one submission).

Conditions:
Severe myoclonic epilepsy in infancy (DRVT). Also called: Epileptic encephalopathy, early infantile, 6 (Dravet syndrome); Dravet syndrome; SEVERE MYOCLONIC EPILEPSY OF INFANCY; DEVELOPMENTAL AND EPILEPTIC ENCEPHALOPATHY 6A; Severe Myoclonic Epilepsy in Infancy (SMEI). Identifiers: Orphanet 33069, MedGen C0751122, MONDO:0100135, OMIM 607208.

Submission:

Baylor Genetics
Classification: Uncertain significance for Severe myoclonic epilepsy in infancy. Last evaluated: 2018-05-08. Review status: criteria provided, single submitter. Criteria: ACMG Guidelines, 2015. Collection method: clinical testing. Allele origin: unknown. Affected: yes.
Comment: This variant was determined to be of uncertain significance according to ACMG Guidelines, 2015 [PMID:25741868].

NM_001165963.4(SCN1A):c.3451T>C (p.Ser1151Pro)

Genes: SCN1A (sodium voltage-gated channel alpha subunit 1; minus strand), LOC102724058 (uncharacterized LOC102724058; plus strand). Cytogenetic location: 2q24.3.
Variant type: single nucleotide variant.
Coding change: c.3451T>C on transcript NM_001165963.4 (MANE Select); coding-DNA position 3451, T replaced by C.
Protein change: p.Ser1151Pro; replaces serine 1151 with proline.
Molecular consequence: missense variant. On other transcripts: non-coding transcript variant (2).
Genome position (GRCh38, 1-based): chr2:166,015,706, A>G on the plus strand (T>C on the coding strand, the complement: SCN1A is on the minus strand). VCF-style: chr2-166015706-A-G. GRCh37 (hg19) VCF-style: chr2-166872216-A-G.
Other names: c.3367T>C, p.Ser1123Pro (NM_001165964.3, NM_001353957.2, NM_001353958.2); c.3451T>C, p.Ser1151Pro (NM_001202435.3, NM_001353948.2); c.3418T>C, p.Ser1140Pro (NM_001353949.2, NM_001353950.2, NM_001353951.2 and 2 more transcripts); c.3415T>C, p.Ser1139Pro (NM_001353954.2, NM_001353955.2); c.3364T>C, p.Ser1122Pro (NM_001353960.2); c.1009T>C, p.Ser337Pro (NM_001353961.2); short protein forms S1140P, S1123P, S1151P, S337P, S1122P, S1139P.
Identifiers: ClinVar variation 1031899 (VCV001031899.1), dbSNP rs1693190884, ClinGen allele CA349056794.